The following is an entry in ClinVar:

ClinVar aggregate classification (germline): Pathogenic (1 of 4 stars; one submission).

Submission:

Labcorp Genetics (formerly Invitae), Labcorp
Classification: Pathogenic. Last evaluated: 2023-07-25. Review status: criteria provided, single submitter. Criteria: Invitae Variant Classification Sherloc (09022015). Collection method: clinical testing. Allele origin: germline.
Comment: This sequence change creates a premature translational stop signal (p.Lys336Serfs*16) in the TMPRSS3 gene. It is expected to result in an absent or disrupted protein product. Loss-of-function variants in TMPRSS3 are known to be pathogenic (PMID: 16021470, 26969326). This variant is not present in population databases (gnomAD no frequency). This variant has not been reported in the literature in individuals affected with TMPRSS3-related conditions. Algorithms developed to predict the effect of sequence changes on RNA splicing suggest that this variant may create or strengthen a splice site. For these reasons, this variant has been classified as Pathogenic.

Literature cited by the submitters: PubMed 16021470; PubMed 26969326.

NM_001256317.3(TMPRSS3):c.1007_1008del (p.Lys336fs)

Gene: TMPRSS3 (transmembrane serine protease 3; minus strand). Cytogenetic location: 21q22.3.
Variant type: Deletion.
Coding change: c.1007_1008del on transcript NM_001256317.3 (MANE Select); coding-DNA positions 1007 to 1008, 2 bases deleted (AA; older notation c.1007_1008delAA).
Protein change: p.Lys336fs; shifts the reading frame from lysine 336.
Molecular consequence: frameshift variant.
Genome position (GRCh38, 1-based): chr21:42,380,157-42,380,158, TT deleted on the plus strand (AA on the coding strand, the reverse complement: TMPRSS3 is on the minus strand); deleting any 2 consecutive bases within chr21:42,380,157-42,380,160 gives the same sequence; the c. name uses the placement nearest the transcript's 3' end. VCF-style (leftmost placement, unchanged base first): chr21-42380156-CTT-C. GRCh37 (hg19) VCF-style: chr21-43800265-CTT-C.
Other names: c.1007_1008del, p.Lys336fs (NM_024022.4); c.626_627del, p.Lys209fs (NM_032404.3); short protein forms K209fs, K336fs.
Identifiers: ClinVar variation 2992684 (VCV002992684.3), dbSNP rs774670393, ClinGen allele CA2740094729.